The following is an entry in ClinVar:

NM_181507.2(HPS5):c.1015G>T (p.Glu339Ter)

Gene: HPS5 (HPS5 biogenesis of lysosomal organelles complex 2 subunit 2; minus strand). Cytogenetic location: 11p15.1.
Variant type: single nucleotide variant.
Coding change: c.1015G>T on transcript NM_181507.2 (MANE Select); coding-DNA position 1015, G replaced by T.
Protein change: p.Glu339Ter; replaces glutamic acid 339 with a stop codon.
Molecular consequence: nonsense.
Genome position (GRCh38, 1-based): chr11:18,298,941, C>A on the plus strand (G>T on the coding strand, the complement: HPS5 is on the minus strand). VCF-style: chr11-18298941-C-A. GRCh37 (hg19) VCF-style: chr11-18320488-C-A.
Other names: c.673G>T, p.Glu225Ter (NM_181508.2, NM_007216.4); short protein forms E225*, E339*.
Identifiers: ClinVar variation 2825080 (VCV002825080.3), dbSNP rs1201886200, ClinGen allele CA379498498.

ClinVar aggregate classification (germline): Pathogenic (1 of 4 stars; one submission).

Allele frequency attached by ClinVar (database versions not stated): gnomAD 0.00001.
gnomAD v4.1: 1 of 1,614,072 alleles (0.000062%); highest among the groups gnomAD compares: Non-Finnish European, 0.000085%; no homozygotes.

Submission:

Labcorp Genetics (formerly Invitae), Labcorp
Classification: Pathogenic. Last evaluated: 2023-07-31. Review status: criteria provided, single submitter. Criteria: Invitae Variant Classification Sherloc (09022015). Collection method: clinical testing. Allele origin: germline.
Comment: For these reasons, this variant has been classified as Pathogenic. Algorithms developed to predict the effect of sequence changes on RNA splicing suggest that this variant may disrupt the consensus splice site. This variant has not been reported in the literature in individuals affected with HPS5-related conditions. This variant is present in population databases (no rsID available, gnomAD 0.007%). This sequence change creates a premature translational stop signal (p.Glu339*) in the HPS5 gene. It is expected to result in an absent or disrupted protein product. Loss-of-function variants in HPS5 are known to be pathogenic (PMID: 12548288, 15296495, 21833017, 26785811).

Literature cited by the submitters: PubMed 12548288; PubMed 15296495; PubMed 21833017; PubMed 26785811.